The following is an entry in ClinVar:

NM_000212.3(ITGB3):c.1393G>C (p.Ala465Pro)

Gene: ITGB3 (integrin subunit beta 3; plus strand). Cytogenetic location: 17q21.32.
Variant type: single nucleotide variant.
Coding change: c.1393G>C on transcript NM_000212.3 (MANE Select); coding-DNA position 1393, G replaced by C.
Protein change: p.Ala465Pro; replaces alanine 465 with proline.
Molecular consequence: missense variant.
Genome position (GRCh38, 1-based): chr17:47,292,271, G>C. VCF-style: chr17-47292271-G-C. GRCh37 (hg19) VCF-style: chr17-45369637-G-C.
Other names: short protein forms A465P.
Identifiers: ClinVar variation 3720749 (VCV003720749.2).

ClinVar aggregate classification (germline): Uncertain significance (1 of 4 stars; one submission).

Submission:

Labcorp Genetics (formerly Invitae), Labcorp
Classification: Uncertain significance. Last evaluated: 2025-01-29. Review status: criteria provided, single submitter. Criteria: Invitae Variant Classification Sherloc (09022015). Collection method: clinical testing. Allele origin: germline.
Comment: This sequence change replaces alanine, which is neutral and non-polar, with proline, which is neutral and non-polar, at codon 465 of the ITGB3 protein (p.Ala465Pro). This variant is not present in population databases (gnomAD no frequency). This variant has not been reported in the literature in individuals affected with ITGB3-related conditions. Invitae Evidence Modeling of protein sequence and biophysical properties (such as structural, functional, and spatial information, amino acid conservation, physicochemical variation, residue mobility, and thermodynamic stability) has been performed for this missense variant. However, the output from this modeling did not meet the statistical confidence thresholds required to predict the impact of this variant on ITGB3 protein function. In summary, the available evidence is currently insufficient to determine the role of this variant in disease. Therefore, it has been classified as a Variant of Uncertain Significance.